The following is an entry in ClinVar:

ClinVar aggregate classification (germline): Uncertain significance (1 of 4 stars; one submission).

Submission:

Labcorp Genetics (formerly Invitae), Labcorp
Classification: Uncertain significance. Last evaluated: 2025-06-09. Review status: criteria provided, single submitter. Criteria: Invitae Variant Classification Sherloc (09022015). Collection method: clinical testing. Allele origin: germline.
Comment: This sequence change replaces glutamic acid, which is acidic and polar, with aspartic acid, which is acidic and polar, at codon 835 of the LZTR1 protein (p.Glu835Asp). This variant is not present in population databases (gnomAD no frequency). This variant has not been reported in the literature in individuals affected with LZTR1-related conditions. Invitae Evidence Modeling of protein sequence and biophysical properties (such as structural, functional, and spatial information, amino acid conservation, physicochemical variation, residue mobility, and thermodynamic stability) indicates that this missense variant is not expected to disrupt LZTR1 protein function with a negative predictive value of 80%. In summary, the available evidence is currently insufficient to determine the role of this variant in disease. Therefore, it has been classified as a Variant of Uncertain Significance.

NM_006767.4(LZTR1):c.2505G>C (p.Glu835Asp)

Gene: LZTR1 (leucine zipper like post translational regulator 1; plus strand). Cytogenetic location: 22q11.21.
Variant type: single nucleotide variant.
Coding change: c.2505G>C on transcript NM_006767.4 (MANE Select); coding-DNA position 2505, G replaced by C.
Protein change: p.Glu835Asp; replaces glutamic acid 835 with aspartic acid.
Molecular consequence: missense variant.
Genome position (GRCh38, 1-based): chr22:20,997,330, G>C. VCF-style: chr22-20997330-G-C. GRCh37 (hg19) VCF-style: chr22-21351619-G-C.
Other names: short protein forms E835D.
Identifiers: ClinVar variation 4740412 (VCV004740412.1).
Genomic context (GRCh38, chr22:20,997,330, plus strand): 5'-GCTGCTGCTGGACATCATAGACTCCCTGGCCTCCCACATCTCAGACAAGCAGTGCGCAGA[G>C]CTGGGCGCCGACATCTGAGGCCCTGTGGCGCCTGCCCATTGTGAAGAATCGCCGTGCCTG-3'
Protein context (NP_006758.2, residues 825-840): ASHISDKQCA[Glu835Asp]LGADI